The following is an entry in ClinVar:

ClinVar aggregate classification (germline): Uncertain significance. Review status: criteria provided, multiple submitters, no conflicts (2 of 4 stars). 3 submissions from 3 submitters: Uncertain significance (3). Last evaluated 2024-11-27.

Conditions:
Inborn genetic diseases. Identifiers: MedGen C0950123, MeSH D030342.

Allele frequency attached by ClinVar (database versions not stated): gnomAD 0.00001; gnomAD exomes 0.00001; ExAC 0.00002; TOPMed 0.00002.
gnomAD v4.1: 17 of 1,613,732 alleles (0.0011%); highest among the groups gnomAD compares: Admixed American, 0.0017%; no homozygotes.

Submissions (3):

Ambry Genetics
Classification: Uncertain significance for Inborn genetic diseases. Last evaluated: 2024-11-27. Review status: criteria provided, single submitter. Criteria: Ambry Variant Classification Scheme 2023. Collection method: clinical testing. Allele origin: germline.

Labcorp Genetics (formerly Invitae), Labcorp
Classification: Uncertain significance. Last evaluated: 2021-12-21. Review status: criteria provided, single submitter. Criteria: Invitae Variant Classification Sherloc (09022015). Collection method: clinical testing. Allele origin: germline.
Comment: This sequence change replaces methionine, which is neutral and non-polar, with valine, which is neutral and non-polar, at codon 622 of the MME protein (p.Met622Val). This variant is present in population databases (rs201459318, gnomAD 0.003%). This variant has not been reported in the literature in individuals affected with MME-related conditions. ClinVar contains an entry for this variant (Variation ID: 1308318). Algorithms developed to predict the effect of missense changes on protein structure and function (SIFT, PolyPhen-2, Align-GVGD) all suggest that this variant is likely to be tolerated. In summary, the available evidence is currently insufficient to determine the role of this variant in disease. Therefore, it has been classified as a Variant of Uncertain Significance.

GeneDx
Classification: Uncertain significance. Last evaluated: 2019-03-25. Review status: criteria provided, single submitter. Criteria: GeneDx Variant Classification Process June 2021. Collection method: clinical testing. Allele origin: germline. Affected: yes.
Comment: Has not been previously published as pathogenic or benign to our knowledge; In silico analysis, which includes splice predictors and evolutionary conservation, suggests this variant may impact gene splicing. In the absence of RNA/functional studies, the actual effect of this sequence change is unknown.; In addition, in silico predictors and evolutionary conservation suggest the missense change does not alter protein structure/function

NM_007289.4(MME):c.1864A>G (p.Met622Val)

Gene: MME (membrane metalloendopeptidase; plus strand). Cytogenetic location: 3q25.2.
Variant type: single nucleotide variant.
Coding change: c.1864A>G on transcript NM_007289.4 (MANE Select); coding-DNA position 1864, A replaced by G.
Protein change: p.Met622Val; replaces methionine 622 with valine.
Molecular consequence: missense variant.
Genome position (GRCh38, 1-based): chr3:155,168,575, A>G. VCF-style: chr3-155168575-A-G. GRCh37 (hg19) VCF-style: chr3-154886364-A-G.
Other names: c.1864A>G, p.Met622Val (NM_000902.5, NM_001354642.2, NM_001354643.1 and 2 more transcripts); short protein forms M622V.
Identifiers: ClinVar variation 1308318 (VCV001308318.5), dbSNP rs201459318, ClinGen allele CA2675651.